The following is an entry in ClinVar:

ClinVar aggregate classification (germline): Benign/Likely benign. Review status: criteria provided, multiple submitters, no conflicts (2 of 4 stars). 3 submissions from 3 submitters: Benign (1); Likely benign (2). Last evaluated 2026-06-05.

Conditions:
Hereditary cancer-predisposing syndrome. Also called: Tumor predisposition; Hereditary neoplastic syndrome; Neoplastic Syndromes, Hereditary; Hereditary Cancer Syndrome. Identifiers: Orphanet 140162, MedGen C0027672, MeSH D009386, MONDO:0015356.
Familial adenomatous polyposis 1 (FAP1). Also called: POLYPOSIS, ADENOMATOUS INTESTINAL; FAMILIAL ADENOMATOUS POLYPOSIS 1, ATTENUATED. Identifiers: MedGen C2713442, MONDO:0021056, OMIM 175100. Disease mechanism: loss of function.

Submissions (3):

Ambry Genetics
Classification: Likely benign for Hereditary cancer-predisposing syndrome. Last evaluated: 2026-06-05. Review status: criteria provided, single submitter. Criteria: Ambry Variant Classification Scheme 2023. Collection method: clinical testing. Allele origin: germline.

Labcorp Genetics (formerly Invitae), Labcorp
Classification: Likely benign for Familial adenomatous polyposis 1. Last evaluated: 2025-03-16. Review status: criteria provided, single submitter. Criteria: Invitae Variant Classification Sherloc (09022015). Collection method: clinical testing. Allele origin: germline.

Myriad Genetics, Inc.
Classification: Benign for Familial adenomatous polyposis 1. Last evaluated: 2024-04-10. Review status: criteria provided, single submitter. Criteria: Myriad Autosomal Dominant, Autosomal Recessive and X-Linked Classification Criteria (2023). Collection method: clinical testing. Allele origin: unknown.
Comment: This variant is considered benign. This variant is a silent/synonymous amino acid change and it is not expected to impact splicing.

NM_000038.6(APC):c.7548G>A (p.Glu2516=)

Gene: APC (APC regulator of Wnt signaling pathway; plus strand). Cytogenetic location: 5q22.2.
Variant type: single nucleotide variant.
Coding change: c.7548G>A on transcript NM_000038.6 (MANE Select); coding-DNA position 7548, G replaced by A.
Protein change: p.Glu2516=; no amino-acid change (glutamic acid 2516 retained).
Molecular consequence: synonymous variant.
Genome position (GRCh38, 1-based): chr5:112,843,142, G>A. VCF-style: chr5-112843142-G-A. GRCh37 (hg19) VCF-style: chr5-112178839-G-A.
Other names: c.7548G>A, p.Glu2516= (NM_001127510.3, NM_001354895.2); c.7494G>A, p.Glu2498= (NM_001127511.3); c.7602G>A, p.Glu2534= (NM_001354896.2); c.7578G>A, p.Glu2526= (NM_001354897.2); c.7473G>A, p.Glu2491= (NM_001354898.2); c.7464G>A, p.Glu2488= (NM_001354899.2); c.7425G>A, p.Glu2475= (NM_001354900.2); c.7371G>A, p.Glu2457= (NM_001354901.2); and 5 more.
Identifiers: ClinVar variation 470097 (VCV000470097.12), dbSNP rs548471464, ClinGen allele CA446210890.